The following is an entry in ClinVar:

ClinVar aggregate classification (germline): Uncertain significance (1 of 4 stars; one submission).

Conditions:
Spermatogenic failure 18. Identifiers: MedGen C4539783, MONDO:0054615, OMIM 617576.
Ciliary dyskinesia, primary, 37 (CILD37). Also called: CILIARY DYSKINESIA, PRIMARY, 37, WITH OR WITHOUT SITUS INVERSUS. Identifiers: MedGen C4539798, MONDO:0033204, OMIM 617577.

Allele frequency attached by ClinVar (database versions not stated): gnomAD 0.00001; gnomAD exomes 0.00001 and below 0.00001; ExAC 0.00001; TOPMed 0.00001.
gnomAD v4.1: 8 of 1,613,848 alleles (0.0005%); highest among the groups gnomAD compares: South Asian, 0.0033%; no homozygotes.

Submission:

Labcorp Genetics (formerly Invitae), Labcorp
Classification: Uncertain significance for Ciliary dyskinesia, primary, 37; Spermatogenic failure 18. Last evaluated: 2021-09-24. Review status: criteria provided, single submitter. Criteria: Invitae Variant Classification Sherloc (09022015). Collection method: clinical testing. Allele origin: germline.
Comment: This sequence change replaces glutamic acid with lysine at codon 2606 of the DNAH1 protein (p.Glu2606Lys). The glutamic acid residue is highly conserved and there is a small physicochemical difference between glutamic acid and lysine. This variant is present in population databases (rs751973219, ExAC 0.006%). This variant has not been reported in the literature in individuals with DNAH1-related conditions. Algorithms developed to predict the effect of missense changes on protein structure and function are either unavailable or do not agree on the potential impact of this missense change (SIFT: "Deleterious"; PolyPhen-2: "Benign"; Align-GVGD: "Class C0"). In summary, the available evidence is currently insufficient to determine the role of this variant in disease. Therefore, it has been classified as a Variant of Uncertain Significance.

NM_015512.5(DNAH1):c.7816G>A (p.Glu2606Lys)

Gene: DNAH1 (dynein axonemal heavy chain 1; plus strand). Cytogenetic location: 3p21.1.
Variant type: single nucleotide variant.
Coding change: c.7816G>A on transcript NM_015512.5 (MANE Select); coding-DNA position 7816, G replaced by A.
Protein change: p.Glu2606Lys; replaces glutamic acid 2606 with lysine.
Molecular consequence: missense variant.
Genome position (GRCh38, 1-based): chr3:52,382,330, G>A. VCF-style: chr3-52382330-G-A. GRCh37 (hg19) VCF-style: chr3-52416346-G-A.
Other names: short protein forms E2606K.
Identifiers: ClinVar variation 1383859 (VCV001383859.5), dbSNP rs751973219, ClinGen allele CA2435001.
Genomic context (GRCh38, chr3:52,382,330, plus strand): 5'-CGTCTGGCCCCAAGTCCCTGGCATGCTTCAACCCAAACTTCTGCCTCCAGGGCCGAGTAC[G>A]AGTGCTTCCAGATTGAACTATCCAAGAACTACGGCATGTCCGAGTGGCGAGATGATGTGA-3'
Protein context (NP_056327.4, residues 2596-2616): TRLASHMAEY[Glu2606Lys]CFQIELSKNY